The following is an entry in ClinVar:

NM_015935.5(METTL13):c.735G>A (p.Ala245=)

Gene: METTL13 (methyltransferase 13, eEF1A N-terminus and K55; plus strand). Cytogenetic location: 1q24.3.
Variant type: single nucleotide variant.
Coding change: c.735G>A on transcript NM_015935.5 (MANE Select); coding-DNA position 735, G replaced by A.
Protein change: p.Ala245=; no amino-acid change (alanine 245 retained).
Molecular consequence: synonymous variant. On other transcripts: intron variant (1).
Genome position (GRCh38, 1-based): chr1:171,784,321, G>A. VCF-style: chr1-171784321-G-A. GRCh37 (hg19) VCF-style: chr1-171753461-G-A.
Other names: c.477G>A, p.Ala159= (NM_014955.3); c.453+282G>A (NM_001007239.2).
Identifiers: ClinVar variation 3038613 (VCV003038613.2), dbSNP rs764468762, ClinGen allele CA1244690.

ClinVar aggregate classification (germline): Likely benign (0 of 4 stars; one submission).

Conditions:
METTL13-related disorder. Also called: METTL13-related condition.

Allele frequency attached by ClinVar (database versions not stated): gnomAD 0.00001; ExAC 0.00003.

Submission:

PreventionGenetics, part of Exact Sciences
Classification: Likely benign for METTL13-related condition. Last evaluated: 2019-05-23. Review status: no assertion criteria provided. Collection method: clinical testing. Allele origin: germline.
Comment: This variant is classified as likely benign based on ACMG/AMP sequence variant interpretation guidelines (Richards et al. 2015 PMID: 25741868, with internal and published modifications).